The following is an entry in ClinVar:

NM_020247.5(COQ8A):c.*727C>T

Gene: COQ8A (coenzyme Q8A; plus strand). Cytogenetic location: 1q42.13.
Variant type: single nucleotide variant.
Coding change: c.*727C>T on transcript NM_020247.5 (MANE Select); 727 bases downstream of the stop codon, C replaced by T.
Molecular consequence: 3 prime UTR variant.
Genome position (GRCh38, 1-based): chr1:226,987,464, C>T. VCF-style: chr1-226987464-C-T. GRCh37 (hg19) VCF-style: chr1-227175165-C-T.
Identifiers: ClinVar variation 296047 (VCV000296047.7), dbSNP rs16846762, ClinGen allele CA10610204.

ClinVar aggregate classification (germline): Benign/Likely benign. Review status: criteria provided, multiple submitters, no conflicts (2 of 4 stars). 2 submissions from 2 submitters: Benign (1); Likely benign (1). Last evaluated 2021-05-17.

Conditions:
Autosomal recessive ataxia due to ubiquinone deficiency. Also called: SPINOCEREBELLAR ATAXIA, AUTOSOMAL RECESSIVE 9; Coenzyme Q10 deficiency, primary, 4. Identifiers: Orphanet 139485, MedGen C2677589, MONDO:0012784, OMIM 612016.

Allele frequency attached by ClinVar (database versions not stated): gnomAD 0.00636 and 0.00659; TOPMed 0.00695; 1000 Genomes Project 0.00859; 1000 Genomes Project 30x 0.00890.

Submissions (2):

GeneDx
Classification: Likely benign. Last evaluated: 2021-05-17. Review status: criteria provided, single submitter. Criteria: GeneDx Variant Classification Process June 2021. Collection method: clinical testing. Allele origin: germline. Affected: yes.

Illumina Laboratory Services, Illumina
Classification: Benign for Autosomal recessive ataxia due to ubiquinone deficiency. Last evaluated: 2018-01-12. Review status: criteria provided, single submitter. Criteria: ICSL Variant Classification Criteria 13 December 2019. Collection method: clinical testing. Allele origin: germline.
Comment: This variant was observed in the ICSL laboratory as part of a predisposition screen in an ostensibly healthy population. It had not been previously curated by ICSL or reported in the Human Gene Mutation Database (HGMD: prior to June 1st, 2018), and was therefore a candidate for classification through an automated scoring system. Utilizing variant allele frequency, disease prevalence and penetrance estimates, and inheritance mode, an automated score was calculated to assess if this variant is too frequent to cause the disease. Based on the score and internal cut-off values, a variant classified as benign is not then subjected to further curation. The score for this variant resulted in a classification of benign for this disease.